The following is an entry in ClinVar:

NM_003900.5(SQSTM1):c.970-2A>G

Gene: SQSTM1 (sequestosome 1; plus strand). Cytogenetic location: 5q35.3.
Variant type: single nucleotide variant.
Coding change: c.970-2A>G on transcript NM_003900.5 (MANE Select); the canonical splice acceptor site of the intron before coding-DNA position 970, A replaced by G.
Molecular consequence: splice acceptor variant.
Genome position (GRCh38, 1-based): chr5:179,833,585, A>G. VCF-style: chr5-179833585-A-G. GRCh37 (hg19) VCF-style: chr5-179260585-A-G.
Other names: c.718-2A>G (NM_001142298.2, NM_001142299.2).
Identifiers: ClinVar variation 1473565 (VCV001473565.8), dbSNP rs2113512370, ClinGen allele CA362452294.
Genomic context (GRCh38, chr5:179,833,585, plus strand): 5'-CCATGGTCAGGCTTGGCCTGTTGCGCGTGTCTCCTGTGTGCTCATGGTGAGTTTTGTTCC[A>G]GGAACAGATGGAGTCGGATAACTGTTCAGGAGGAGATGATGACTGGACCCATCTGTCTTC-3'

ClinVar aggregate classification (germline): Likely pathogenic (1 of 4 stars; one submission).

Conditions:
Paget disease of bone 2, early-onset (PDB2). Also called: Paget disease of bone 2. Identifiers: MedGen C4085251, MONDO:0011183, OMIM 602080.
Frontotemporal dementia and/or amyotrophic lateral sclerosis 1 (FTDALS1). Also called: Frontotemporal dementia with motor neuron disease 1; C9orf72 Frontotemporal Dementia and/or Amyotrophic Lateral Sclerosis. Identifiers: Orphanet 275872, MedGen C5779877, MONDO:0007105, OMIM 105550.

Submission:

Labcorp Genetics (formerly Invitae), Labcorp
Classification: Likely pathogenic for Paget disease of bone 2, early-onset; Frontotemporal dementia and/or amyotrophic lateral sclerosis 1. Last evaluated: 2021-03-22. Review status: criteria provided, single submitter. Criteria: Invitae Variant Classification Sherloc (09022015). Collection method: clinical testing. Allele origin: germline.
Comment: In summary, the currently available evidence indicates that the variant is pathogenic, but additional data are needed to prove that conclusively. Therefore, this variant has been classified as Likely Pathogenic. Algorithms developed to predict the effect of sequence changes on RNA splicing suggest that this variant may disrupt the consensus splice site, but this prediction has not been confirmed by published transcriptional studies. This variant has not been reported in the literature in individuals with SQSTM1-related conditions. This variant is not present in population databases (ExAC no frequency). This sequence change affects an acceptor splice site in intron 6 of the SQSTM1 gene. It is expected to disrupt RNA splicing. Variants that disrupt the donor or acceptor splice site typically lead to a loss of protein function (PMID: 16199547), and loss-of-function variants in SQSTM1 are known to be pathogenic (PMID: 27545679, 29959261).

Literature cited by the submitters: PubMed 16199547; PubMed 27545679; PubMed 29959261.